The following is an entry in ClinVar:

ClinVar aggregate classification (germline): Uncertain significance. Review status: criteria provided, multiple submitters, no conflicts (2 of 4 stars). 2 submissions from 2 submitters: Uncertain significance (2). Last evaluated 2025-02-06.

Conditions:
CEP164-related disorder. Also called: CEP164-related condition.
Nephronophthisis 15 (NPHP15). Identifiers: Orphanet 3156, MedGen C3541853, MONDO:0013917, OMIM 614845.

Allele frequency attached by ClinVar (database versions not stated): gnomAD exomes below 0.00001.
gnomAD v4.1: 1 of 1,611,666 alleles (0.000062%); highest among the groups gnomAD compares: Non-Finnish European, 0.000085%; no homozygotes.

Submissions (2):

PreventionGenetics, part of Exact Sciences
Classification: Uncertain significance for CEP164-related condition. Last evaluated: 2025-02-06. Review status: criteria provided, single submitter. Criteria: ACMG Guidelines, 2015. Collection method: clinical testing. Allele origin: germline.
Comment: The CEP164 c.3070C>G variant is predicted to result in the amino acid substitution p.Gln1024Glu. To our knowledge, this variant has not been reported in the literature. This variant is reported in 0.00089% of alleles in individuals of European (Non-Finnish) descent in gnomAD. At this time, the clinical significance of this variant is uncertain due to the absence of conclusive functional and genetic evidence.

Labcorp Genetics (formerly Invitae), Labcorp
Classification: Uncertain significance for Nephronophthisis 15. Last evaluated: 2022-11-29. Review status: criteria provided, single submitter. Criteria: Invitae Variant Classification Sherloc (09022015). Collection method: clinical testing. Allele origin: germline.
Comment: This variant is present in population databases (no rsID available, gnomAD 0.0009%). This sequence change replaces glutamine, which is neutral and polar, with glutamic acid, which is acidic and polar, at codon 1024 of the CEP164 protein (p.Gln1024Glu). In summary, the available evidence is currently insufficient to determine the role of this variant in disease. Therefore, it has been classified as a Variant of Uncertain Significance. Advanced modeling of protein sequence and biophysical properties (such as structural, functional, and spatial information, amino acid conservation, physicochemical variation, residue mobility, and thermodynamic stability) performed at Invitae indicates that this missense variant is not expected to disrupt CEP164 protein function. This variant has not been reported in the literature in individuals affected with CEP164-related conditions.

NM_014956.5(CEP164):c.3070C>G (p.Gln1024Glu)

Gene: CEP164 (centrosomal protein 164; plus strand). Cytogenetic location: 11q23.3.
Variant type: single nucleotide variant.
Coding change: c.3070C>G on transcript NM_014956.5 (MANE Select); coding-DNA position 3070, C replaced by G.
Protein change: p.Gln1024Glu; replaces glutamine 1024 with glutamic acid.
Molecular consequence: missense variant.
Genome position (GRCh38, 1-based): chr11:117,395,703, C>G. VCF-style: chr11-117395703-C-G. GRCh37 (hg19) VCF-style: chr11-117266419-C-G.
Other names: c.3070C>G (NM_014956.4); c.3079C>G, p.Gln1027Glu (NM_001271933.2); short protein forms Q1024E, Q1027E.
Identifiers: ClinVar variation 2099945 (VCV002099945.5), dbSNP rs1272475844, ClinGen allele CA382732404.